The following is an entry in ClinVar:

NM_001242896.3(DEPDC5):c.865C>T (p.Gln289Ter)

Gene: DEPDC5 (DEP domain containing 5, GATOR1 subcomplex subunit; plus strand). Cytogenetic location: 22q12.2.
Variant type: single nucleotide variant.
Coding change: c.865C>T on transcript NM_001242896.3 (MANE Select); coding-DNA position 865, C replaced by T.
Protein change: p.Gln289Ter; replaces glutamine 289 with a stop codon.
Molecular consequence: nonsense. On other transcripts: non-coding transcript variant (5).
Genome position (GRCh38, 1-based): chr22:31,797,697, C>T. VCF-style: chr22-31797697-C-T. GRCh37 (hg19) VCF-style: chr22-32193683-C-T.
Other names: c.865C>T, p.Gln289Ter (NM_001007188.4, NM_001136029.4, NM_001242897.2 and 7 more transcripts); c.781C>T, p.Gln261Ter (NM_001369901.1, NM_001369902.1); short protein forms Q289*, Q261*.
Identifiers: ClinVar variation 534791 (VCV000534791.11), dbSNP rs759952667, ClinGen allele CA411290728.

ClinVar aggregate classification (germline): Pathogenic. Review status: criteria provided, multiple submitters, no conflicts (2 of 4 stars). 2 submissions from 2 submitters: Pathogenic (2). Last evaluated 2026-02-03.

Conditions:
Familial focal epilepsy with variable foci (FPEVF). Identifiers: Orphanet 98820, MedGen C1858477, MONDO:0020310.

Submissions (2):

Labcorp Genetics (formerly Invitae), Labcorp
Classification: Pathogenic for Familial focal epilepsy with variable foci. Last evaluated: 2026-02-03. Review status: criteria provided, single submitter. Criteria: Invitae Variant Classification Sherloc (09022015). Collection method: clinical testing. Allele origin: germline.
Comment: This sequence change creates a premature translational stop signal (p.Gln289*) in the DEPDC5 gene. It is expected to result in an absent or disrupted protein product. Loss-of-function variants in DEPDC5 are known to be pathogenic (PMID: 23542697, 23542701). This variant is not present in population databases (gnomAD no frequency). This variant has not been reported in the literature in individuals affected with DEPDC5-related conditions. ClinVar contains an entry for this variant (Variation ID: 534791). For these reasons, this variant has been classified as Pathogenic.

GeneDx
Classification: Pathogenic. Last evaluated: 2025-12-03. Review status: criteria provided, single submitter. Criteria: GeneDx Variant Classification Process June 2021. Collection method: clinical testing. Allele origin: germline.
Comment: Reported previously as a heterozygous pathogenic variant in a patient with epilepsy; however, further clinical and segregation information was not provided (PMID: 31440721); Reported previously as a mosaic somatic variant in brain tissue, in trans with another DEPDC5 variant (on a different allele), in a patient with focal cortical dysplasia; the Q289* variant was not detected in the patient's blood (PMID: 29708508); Nonsense variant predicted to result in protein truncation or nonsense mediated decay in a gene for which loss of function is a known mechanism of disease; Not observed at significant frequency in large population cohorts (gnomAD); This variant is associated with the following publications: (PMID: 31440721, 29708508, 34926809)

Literature cited by the submitters: PubMed 23542697 (cited by Labcorp Genetics (formerly Invitae), Labcorp); PubMed 23542701 (cited by Labcorp Genetics (formerly Invitae), Labcorp).